The following is an entry in ClinVar:

ClinVar aggregate classification (germline): Pathogenic (1 of 4 stars; one submission).

Conditions:
Hereditary cancer-predisposing syndrome. Also called: Neoplastic Syndromes, Hereditary; Tumor predisposition; Hereditary Cancer Syndrome; Hereditary neoplastic syndrome. Identifiers: Orphanet 140162, MedGen C0027672, MeSH D009386, MONDO:0015356.

Submission:

Ambry Genetics
Classification: Pathogenic for Hereditary cancer-predisposing syndrome. Last evaluated: 2025-06-25. Review status: criteria provided, single submitter. Criteria: Ambry Variant Classification Scheme 2023. Collection method: clinical testing. Allele origin: germline.
Comment: The c.305dupA pathogenic mutation, located in coding exon 5 of the BAP1 gene, results from a duplication of A at nucleotide position 305, causing a translational frameshift with a predicted alternate stop codon (p.N102Kfs*24). This variant was reported in individual(s) with features consistent with BAP1-related tumor predisposition syndrome (Ambry internal data). This variant is considered to be rare based on population cohorts in the Genome Aggregation Database (gnomAD). This alteration is expected to result in loss of function by premature protein truncation or nonsense-mediated mRNA decay. As such, this alteration is interpreted as a disease-causing mutation.

NM_004656.4(BAP1):c.305dup (p.Asn102fs)

Gene: BAP1 (BRCA1 associated deubiquitinase 1; minus strand). Cytogenetic location: 3p21.1.
Variant type: Duplication.
Coding change: c.305dup on transcript NM_004656.4 (MANE Select); coding-DNA position 305, one base duplicated (A; older notation c.305dupA).
Protein change: p.Asn102fs; shifts the reading frame from asparagine 102.
Molecular consequence: frameshift variant.
Genome position (GRCh38, 1-based): chr3:52,408,028, T duplicated on the plus strand (A on the coding strand, the reverse complement: BAP1 is on the minus strand); the first of 2 consecutive T bases (chr3:52,408,028-52,408,029); duplicating either gives the same sequence. VCF-style (leftmost placement, unchanged base first): chr3-52408027-G-GT. GRCh37 (hg19) VCF-style: chr3-52442043-G-GT.
Other names: c.305dup, p.Asn102fs (NM_001410772.1); c.305dupA (NM_004656.2); short protein forms N102fs.
Identifiers: ClinVar variation 4194465 (VCV004194465.1).